The following is an entry in ClinVar:

NM_000372.5(TYR):c.272G>A (p.Cys91Tyr)

Gene: TYR (tyrosinase; plus strand). Cytogenetic location: 11q14.3.
Variant type: single nucleotide variant.
Coding change: c.272G>A on transcript NM_000372.5 (MANE Select); coding-DNA position 272, G replaced by A.
Protein change: p.Cys91Tyr; replaces cysteine 91 with tyrosine.
Molecular consequence: missense variant.
Genome position (GRCh38, 1-based): chr11:89,178,225, G>A. VCF-style: chr11-89178225-G-A. GRCh37 (hg19) VCF-style: chr11-88911393-G-A.
Other names: TYR, CYS91TYR (rs137854890); short protein forms C91Y.
Identifiers: ClinVar variation 39977 (VCV000039977.7), dbSNP rs137854890, ClinGen allele CA261236.

ClinVar aggregate classification (germline): Pathogenic/Likely pathogenic. Review status: criteria provided, multiple submitters, no conflicts (2 of 4 stars). 5 submissions from 5 submitters: Pathogenic (1); Likely pathogenic (3). 1 of the submissions does not count toward it. Last evaluated 2026-02-19.

Conditions:
Autosomal recessive TYR-related disorders.
Oculocutaneous albinism type 1. Also called: Albinism 1; ALBINISM I. Identifiers: Orphanet 352731, MedGen C0268494, MONDO:0018135. Disease mechanism: loss of function.
SKIN/HAIR/EYE PIGMENTATION 3, LIGHT/DARK SKIN (SHEP3). Also called: SKIN/HAIR/EYE PIGMENTATION, VARIATION IN, 3; EYE COLOR 1; EYE COLOR, GREEN/BLUE; SKIN/HAIR/EYE PIGMENTATION 3, BLUE/GREEN EYE COLOR; SKIN/HAIR/EYE PIGMENTATION 3, FRECKLING. Identifiers: MedGen C2677190, OMIM 601800.
Oculocutaneous albinism type 1A (OCA1A). Also called: Albinism, oculocutaneous, type IA. Identifiers: Orphanet 352731, Orphanet 79431, MedGen C4551504, MONDO:0008745, OMIM 203100. Disease mechanism: loss of function.

Allele frequency attached by ClinVar (database versions not stated): gnomAD exomes below 0.00001; ExAC 0.00001.
gnomAD v4.1: 3 of 1,614,154 alleles (0.00019%); highest among the groups gnomAD compares: South Asian, 0.0033%; no homozygotes.

Submissions (5):

Myriad Genetics, Inc.
Classification: Likely pathogenic for Oculocutaneous albinism type 1. Last evaluated: 2026-02-19. Review status: criteria provided, single submitter. Criteria: Myriad Autosomal Dominant, Autosomal Recessive and X-Linked Classification Criteria (2023). Collection method: clinical testing. Allele origin: unknown.
Comment: NM_000372.4(TYR):c.272G>A(C91Y) is a missense variant classified as likely pathogenic in the context of oculocutaneous albinism, TYR-related. C91Y has been observed in cases with relevant disease (PMID: 22981120, 29345414, 30996339, 38030918). Relevant functional assessments of this variant are not available in the literature. C91Y has been observed in referenced population frequency databases. In summary, NM_000372.4(TYR):c.272G>A(C91Y) is a missense variant that has been observed more frequently in cases with the relevant disease than in healthy populations. Please note: this variant was assessed in the context of healthy population screening.

Variantyx, Inc.
Classification: Likely pathogenic for Autosomal recessive TYR-related disorders. Last evaluated: 2025-09-15. Review status: criteria provided, single submitter. Criteria: Variantyx Assertion Criteria 2022. Collection method: clinical testing. Allele origin: germline. Inheritance: Autosomal recessive inheritance. Affected: no.
Comment: This is a nonsynonymous variant in the TYR gene (OMIM: 606933). Pathogenic variants in this gene have been associated with autosomal recessive TYR-related disorders. This variant has been identified in the homozygous or compound heterozygous state in at least one individual reported in the published literature (PMID: 30996339) (PM3). Aln aternate amino acid change at this position (p.Cys91Ser) has been previously reported in similarly affected individuals, which suggests that this residue is biologically important (PMID: 20861851) (PM5) and multiple computational algorithms predict a deleterious effect for this variant (REVEL score: 0.849) (PP3). This variant has a 0.0035% maximum allele frequency in non-founder control populations (PM2). Based on the current evidence, this variant is classified as likely pathogenic for autosomal recessive TYR-related disorders.N

Labcorp Genetics (formerly Invitae), Labcorp
Classification: Pathogenic. Last evaluated: 2024-02-12. Review status: criteria provided, single submitter. Criteria: Invitae Variant Classification Sherloc (09022015). Collection method: clinical testing. Allele origin: germline.
Comment: This sequence change replaces cysteine, which is neutral and slightly polar, with tyrosine, which is neutral and polar, at codon 91 of the TYR protein (p.Cys91Tyr). The frequency data for this variant in the population databases is considered unreliable, as metrics indicate poor data quality at this position in the gnomAD database. This missense change has been observed in individual(s) with oculocutaneous albinism (PMID: 22981120, 30472657, 30996339). It has also been observed to segregate with disease in related individuals. ClinVar contains an entry for this variant (Variation ID: 39977). Advanced modeling of protein sequence and biophysical properties (such as structural, functional, and spatial information, amino acid conservation, physicochemical variation, residue mobility, and thermodynamic stability) performed at Invitae indicates that this missense variant is expected to disrupt TYR protein function with a positive predictive value of 80%. For these reasons, this variant has been classified as Pathogenic.

Baylor Genetics
Classification: Likely pathogenic for SKIN/HAIR/EYE PIGMENTATION 3, LIGHT/DARK SKIN. Last evaluated: 2023-10-17. Review status: criteria provided, single submitter. Criteria: ACMG Guidelines, 2015. Collection method: clinical testing. Allele origin: unknown.

OMIM
Classification: Pathogenic for ALBINISM, OCULOCUTANEOUS, TYPE IA. Last evaluated: 2012-10-05. Review status: no assertion criteria provided. Collection method: literature only. Allele origin: germline. Not counted in ClinVar's aggregate classification.

Literature cited by the submitters: PubMed 22981120 (cited by 3 submitters); PubMed 29345414 (cited by Myriad Genetics, Inc.); PubMed 30996339 (cited by 3 submitters); PubMed 38030918 (cited by Myriad Genetics, Inc.); PubMed 30472657 (cited by Labcorp Genetics (formerly Invitae), Labcorp).